The following is an entry in ClinVar:

NM_002137.4(HNRNPA2B1):c.382A>G (p.Thr128Ala)

Gene: HNRNPA2B1 (heterogeneous nuclear ribonucleoprotein A2/B1; minus strand). Cytogenetic location: 7p15.2.
Variant type: single nucleotide variant.
Coding change: c.382A>G on transcript NM_002137.4 (MANE Select); coding-DNA position 382, A replaced by G.
Protein change: p.Thr128Ala; replaces threonine 128 with alanine.
Molecular consequence: missense variant.
Genome position (GRCh38, 1-based): chr7:26,196,900, T>C on the plus strand (A>G on the coding strand, the complement: HNRNPA2B1 is on the minus strand). VCF-style: chr7-26196900-T-C. GRCh37 (hg19) VCF-style: chr7-26236520-T-C.
Other names: c.382A>G, p.Thr128Ala (NM_001438063.1, NM_001438571.1, NM_001438572.1 and 4 more transcripts); c.418A>G, p.Thr140Ala (NM_001438568.1, NM_001438569.1, NM_001438570.1 and 3 more transcripts); short protein forms T128A, T140A.
Identifiers: ClinVar variation 5020271 (VCV005020271.1).

ClinVar aggregate classification (germline): Uncertain significance (1 of 4 stars; one submission).

gnomAD v4.1: 1 of 1,613,778 alleles (0.000062%); highest among the groups gnomAD compares: Admixed American, 0.0017%; no homozygotes.

Submission:

Dasa
Classification: Uncertain significance. Last evaluated: 2026-07-03. Review status: criteria provided, single submitter. Criteria: DASA Assertion Criteria. Collection method: clinical testing. Allele origin: germline.
Comment: NM_002137.4(HNRNPA2B1):c.382A>G (p.Thr128Ala) is a missense variant that results in the substitution of threonine with alanine. This variant is rare in population databases. The currently available literature and clinical evidence are not sufficient to establish a definitive association between this variant and the reported condition. Therefore, this variant is classified as a variant of uncertain significance.